The following is an entry in ClinVar:

NM_001130413.4(SCNN1D):c.2109C>T (p.Ser703=)

Genes: SCNN1D (sodium channel epithelial 1 subunit delta; plus strand), LOC110599576 (CEB15 minisatellite repeat instability region; plus strand). Cytogenetic location: 1p36.33.
Variant type: single nucleotide variant.
Coding change: c.2109C>T on transcript NM_001130413.4 (MANE Select); coding-DNA position 2109, C replaced by T.
Protein change: p.Ser703=; no amino-acid change (serine 703 retained).
Molecular consequence: synonymous variant. On other transcripts: non-coding transcript variant (1).
Genome position (GRCh38, 1-based): chr1:1,291,310, C>T. VCF-style: chr1-1291310-C-T. GRCh37 (hg19) VCF-style: chr1-1226690-C-T.
Identifiers: ClinVar variation 3387980 (VCV003387980.14).

ClinVar aggregate classification (germline): Benign (1 of 4 stars; one submission).

Submission:

CeGaT Center for Human Genetics Tuebingen
Classification: Benign. Last evaluated: 2024-10-01. Review status: criteria provided, single submitter. Criteria: CeGaT Center For Human Genetics Tuebingen Variant Classification Criteria Version 2. Collection method: clinical testing. Allele origin: germline. Affected: yes. Observed: 1 variant allele.
Comment: SCNN1D: BP4, BP7, BS1, BS2